The following is an entry in ClinVar:

ClinVar aggregate classification (germline): Uncertain significance (1 of 4 stars; one submission).

Conditions:
Neurodevelopmental disorder with speech impairment and with or without seizures. Also called: Neurodevelopmental disorder with variable intellectual disability and speech impairment, with or without seizures. Identifiers: MedGen C5774252, MONDO:0859313, OMIM 620114.

Submission:

3billion
Classification: Uncertain significance for Neurodevelopmental disorder with speech impairment and with or without seizures. Last evaluated: 2025-02-05. Review status: criteria provided, single submitter. Criteria: ACMG Guidelines, 2015. Collection method: clinical testing. Allele origin: germline. Affected: yes.
Comment: The variant is not observed in the gnomAD v4.1.0 dataset. Predicted Consequence/Location: Missense variant. Missense changes are a common disease-causing mechanism. In silico tool predictions suggest damaging effect of the variant on gene or gene product [REVEL: 0.86 (>=0.6, sensitivity 0.68 and specificity 0.92)]. Therefore, this variant is classified as VUS according to the recommendation of ACMG/AMP guideline.

NM_021096.4(CACNA1I):c.686A>G (p.Gln229Arg)

Gene: CACNA1I (calcium voltage-gated channel subunit alpha1 I; plus strand). Cytogenetic location: 22q13.1.
Variant type: single nucleotide variant.
Coding change: c.686A>G on transcript NM_021096.4 (MANE Select); coding-DNA position 686, A replaced by G.
Protein change: p.Gln229Arg; replaces glutamine 229 with arginine.
Molecular consequence: missense variant.
Genome position (GRCh38, 1-based): chr22:39,634,670, A>G. VCF-style: chr22-39634670-A-G. GRCh37 (hg19) VCF-style: chr22-40030675-A-G.
Other names: c.686A>G, p.Gln229Arg (NM_001003406.2); short protein forms Q229R.
Identifiers: ClinVar variation 4293545 (VCV004293545.1).
Genomic context (GRCh38, chr22:39,634,670, plus strand): 5'-TGGGGAATGTCCTGCTGCTCTGCTTCTTTGTCTTCTTCATCTTTGGCATCATAGGTGTGC[A>G]GCTCTGGGCGGGCCTGCTGCGTAACCGCTGCTTCCTGGAGGAGAACTTCACCATGTGAGT-3'
Protein context (NP_066919.2, residues 219-239): VFFIFGIIGV[Gln229Arg]LWAGLLRNRC